The following is an entry in ClinVar:

ClinVar aggregate classification (germline): Uncertain significance (1 of 4 stars; one submission).

Conditions:
Charcot-Marie-Tooth disease axonal type 2O. Also called: CHARCOT-MARIE-TOOTH NEUROPATHY, AXONAL, TYPE 2O; Charcot-Marie-Tooth Neuropathy Type 2O; Charcot-Marie-Tooth disease, axonal, type 20; CHARCOT-MARIE-TOOTH DISEASE, AXONAL, AUTOSOMAL DOMINANT, TYPE 2O. Identifiers: Orphanet 284232, MedGen C3280220, MONDO:0013644, OMIM 614228.

Submission:

Labcorp Genetics (formerly Invitae), Labcorp
Classification: Uncertain significance for Charcot-Marie-Tooth disease axonal type 2O. Last evaluated: 2022-08-23. Review status: criteria provided, single submitter. Criteria: Invitae Variant Classification Sherloc (09022015). Collection method: clinical testing. Allele origin: germline.
Comment: This sequence change replaces valine, which is neutral and non-polar, with methionine, which is neutral and non-polar, at codon 3653 of the DYNC1H1 protein (p.Val3653Met). This variant is not present in population databases (gnomAD no frequency). This variant has not been reported in the literature in individuals affected with DYNC1H1-related conditions. ClinVar contains an entry for this variant (Variation ID: 1389051). Advanced modeling of protein sequence and biophysical properties (such as structural, functional, and spatial information, amino acid conservation, physicochemical variation, residue mobility, and thermodynamic stability) performed at Invitae indicates that this missense variant is not expected to disrupt DYNC1H1 protein function. In summary, the available evidence is currently insufficient to determine the role of this variant in disease. Therefore, it has been classified as a Variant of Uncertain Significance.

NM_001376.5(DYNC1H1):c.10957G>A (p.Val3653Met)

Gene: DYNC1H1 (dynein cytoplasmic 1 heavy chain 1; plus strand). Cytogenetic location: 14q32.31.
Variant type: single nucleotide variant.
Coding change: c.10957G>A on transcript NM_001376.5 (MANE Select); coding-DNA position 10957, G replaced by A.
Protein change: p.Val3653Met; replaces valine 3653 with methionine.
Molecular consequence: missense variant.
Genome position (GRCh38, 1-based): chr14:102,038,508, G>A. VCF-style: chr14-102038508-G-A. GRCh37 (hg19) VCF-style: chr14-102504845-G-A.
Other names: short protein forms V3653M.
Identifiers: ClinVar variation 1389051 (VCV001389051.6), dbSNP rs2152594710, ClinGen allele CA391031448.